The following is an entry in ClinVar:

NM_005262.3(GFER):c.373C>T (p.Gln125Ter)

Gene: GFER (growth factor, augmenter of liver regeneration; plus strand). Cytogenetic location: 16p13.3.
Variant type: single nucleotide variant.
Coding change: c.373C>T on transcript NM_005262.3 (MANE Select); coding-DNA position 373, C replaced by T.
Protein change: p.Gln125Ter; replaces glutamine 125 with a stop codon.
Molecular consequence: nonsense.
Genome position (GRCh38, 1-based): chr16:1,984,861, C>T. VCF-style: chr16-1984861-C-T. GRCh37 (hg19) VCF-style: chr16-2034862-C-T.
Other names: p.Q125*:CAG>TAG; p.Gln125*; short protein forms Q125*.
Identifiers: ClinVar variation 214471 (VCV000214471.28), dbSNP rs771809901, ClinGen allele CA324368.

ClinVar aggregate classification (germline): Conflicting classifications of pathogenicity. Review status: criteria provided, conflicting classifications (1 of 4 stars). 5 submissions from 5 submitters: Pathogenic (2); Likely pathogenic (1); Uncertain significance (1). 1 of the submissions does not count toward it. Last evaluated 2026-01-23.

Conditions:
Congenital cataract-progressive muscular hypotonia-hearing loss-developmental delay syndrome. Also called: Myopathy with cataract and combined respiratory-chain deficiency; MITOCHONDRIAL COMPLEX DEFICIENCY, COMBINED. Identifiers: Orphanet 330054, MedGen C2751320, MONDO:0013116, OMIM 613076.

Allele frequency attached by ClinVar (database versions not stated): ExAC 0.00004; gnomAD exomes 0.00004; TOPMed 0.00006; gnomAD 0.00007.

Submissions (5):

GeneDx
Classification: Likely pathogenic. Last evaluated: 2026-01-23. Review status: criteria provided, single submitter. Criteria: GeneDx Variant Classification Process June 2021. Collection method: clinical testing. Allele origin: germline. Affected: yes.
Comment: Nonsense variant predicted to result in protein truncation or nonsense mediated decay in a gene for which loss of function is a known mechanism of disease; This variant is associated with the following publications: (PMID: 8627443, 34426522, 31589614, 26018198)

Women's Health and Genetics/Laboratory Corporation of America, LabCorp
Classification: Uncertain significance. Last evaluated: 2025-11-28. Review status: criteria provided, single submitter. Criteria: LabCorp Variant Classification Summary - May 2015. Collection method: clinical testing. Allele origin: germline.
Comment: Variant summary: GFER c.373C>T (p.Gln125X) results in a premature termination codon, predicted to cause a truncation of the encoded protein or absence of the protein due to nonsense mediated decay, however current evidence is not sufficient to establish loss of function as a mechanism for disease. The variant allele was found at a frequency of 3.6e-05 in 250930 control chromosomes. The available data on variant occurrences in the general population are insufficient to allow any conclusion about variant significance. c.373C>T has been observed in individual(s) affected with GFER-related mitochondrial encephalomyopathy (example: Calderwood_2016). These data do not allow any conclusion about variant significance. To our knowledge, no experimental evidence demonstrating an impact on protein function has been reported. The following publication has been ascertained in the context of this evaluation (PMID: 26018198). ClinVar contains an entry for this variant (Variation ID: 214471). Based on the evidence outlined above, the variant was classified as uncertain significance.

Mayo Clinic Laboratories, Mayo Clinic
Classification: Pathogenic. Last evaluated: 2025-05-01. Review status: criteria provided, single submitter. Criteria: ACMG Guidelines, 2015. Collection method: clinical testing. Allele origin: germline. Observed: 1 variant allele.
Comment: PM2_supporting, PM3_supporting, PVS1

CeGaT Center for Human Genetics Tuebingen
Classification: Pathogenic. Last evaluated: 2022-12-01. Review status: criteria provided, single submitter. Criteria: CeGaT Center For Human Genetics Tuebingen Variant Classification Criteria Version 2. Collection method: clinical testing. Allele origin: germline. Affected: yes. Observed: 1 variant allele.
Comment: GFER: PVS1, PM2

OMIM
Classification: Pathogenic for MYOPATHY, MITOCHONDRIAL PROGRESSIVE, WITH CONGENITAL CATARACT AND DEVELOPMENTAL DELAY. Last evaluated: 2020-08-19. Review status: no assertion criteria provided. Collection method: literature only. Allele origin: germline. Not counted in ClinVar's aggregate classification.

Literature cited by the submitters: PubMed 26018198 (cited by 3 submitters); PubMed 33314127 (cited by Mayo Clinic Laboratories, Mayo Clinic); PubMed 35777586 (cited by Mayo Clinic Laboratories, Mayo Clinic).